The following is an entry in ClinVar:

NM_032638.5(GATA2):c.50T>A (p.Leu17Gln)

Gene: GATA2 (GATA binding protein 2; minus strand). Cytogenetic location: 3q21.3.
Variant type: single nucleotide variant.
Coding change: c.50T>A on transcript NM_032638.5 (MANE Select); coding-DNA position 50, T replaced by A.
Protein change: p.Leu17Gln; replaces leucine 17 with glutamine.
Molecular consequence: missense variant.
Genome position (GRCh38, 1-based): chr3:128,486,982, A>T on the plus strand (T>A on the coding strand, the complement: GATA2 is on the minus strand). VCF-style: chr3-128486982-A-T. GRCh37 (hg19) VCF-style: chr3-128205825-A-T.
Other names: c.50T>A, p.Leu17Gln (NM_001145661.2, NM_001145662.1); short protein forms L17Q.
Identifiers: ClinVar variation 539717 (VCV000539717.11), dbSNP rs777965976, ClinGen allele CA2600112.

ClinVar aggregate classification (germline): Uncertain significance. Review status: criteria provided, multiple submitters, no conflicts (2 of 4 stars). 3 submissions from 3 submitters: Uncertain significance (3). Last evaluated 2025-10-06.

Conditions:
Deafness-lymphedema-leukemia syndrome. Also called: Lymphedema, primary, with myelodysplasia; Emberger syndrome. Identifiers: Orphanet 3226, MedGen C3279664, MONDO:0013540, OMIM 614038.
Monocytopenia with susceptibility to infections. Also called: MONOCYTOPENIA AND MYCOBACTERIAL INFECTION SYNDROME; MONOCYTOPENIA WITH SUSCEPTIBILITY TO MYCOBACTERIAL, FUNGAL, AND PAPILLOMAVIRUS INFECTIONS AND MYELODYSPLASIA; COMBINED IMMUNODEFICIENCY WITH SUSCEPTIBILITY TO MYCOBACTERIAL, VIRAL, AND FUNGAL INFECTIONS; Dendritic cell, monocyte, B lymphocyte, and natural killer lymphocyte deficiency; IMMUNODEFICIENCY 21; GATA2 DEFICIENCY. Identifiers: Orphanet 228423, MedGen C3280030, MONDO:0013607, OMIM 614172.
Inborn genetic diseases. Identifiers: MedGen C0950123, MeSH D030342.

Allele frequency attached by ClinVar (database versions not stated): ExAC 0.00001; gnomAD exomes below 0.00001.
gnomAD v4.1: 2 of 1,609,232 alleles (0.00012%); highest among the groups gnomAD compares: East Asian, 0.0022%; no homozygotes.

Submissions (3):

Labcorp Genetics (formerly Invitae), Labcorp
Classification: Uncertain significance for Monocytopenia with susceptibility to infections; Deafness-lymphedema-leukemia syndrome. Last evaluated: 2025-10-06. Review status: criteria provided, single submitter. Criteria: Invitae Variant Classification Sherloc (09022015). Collection method: clinical testing. Allele origin: germline.
Comment: This sequence change replaces leucine, which is neutral and non-polar, with glutamine, which is neutral and polar, at codon 17 of the GATA2 protein (p.Leu17Gln). The frequency data for this variant in the population databases is considered unreliable, as metrics indicate poor data quality at this position in the gnomAD database. This variant has not been reported in the literature in individuals affected with GATA2-related conditions. ClinVar contains an entry for this variant (Variation ID: 539717). Invitae Evidence Modeling of protein sequence and biophysical properties (such as structural, functional, and spatial information, amino acid conservation, physicochemical variation, residue mobility, and thermodynamic stability) has been performed for this missense variant. However, the output from this modeling did not meet the statistical confidence thresholds required to predict the impact of this variant on GATA2 protein function. RNA analysis performed to evaluate the impact of this missense change on mRNA splicing indicates it does not significantly alter splicing (internal data). In summary, the available evidence is currently insufficient to determine the role of this variant in disease. Therefore, it has been classified as a Variant of Uncertain Significance.

Ambry Genetics
Classification: Uncertain significance for Inborn genetic diseases. Last evaluated: 2025-03-17. Review status: criteria provided, single submitter. Criteria: Ambry Variant Classification Scheme 2023. Collection method: clinical testing. Allele origin: germline.
Comment: The p.L17Q variant (also known as c.50T>A), located in coding exon 1 of the GATA2 gene, results from a T to A substitution at nucleotide position 50. The leucine at codon 17 is replaced by glutamine, an amino acid with dissimilar properties. This amino acid position is highly conserved in available vertebrate species. In addition, this alteration is predicted to be deleterious by in silico analysis. Based on the available evidence, the clinical significance of this variant remains unclear.

GeneDx
Classification: Uncertain significance. Last evaluated: 2024-12-13. Review status: criteria provided, single submitter. Criteria: GeneDx Variant Classification Process June 2021. Collection method: clinical testing. Allele origin: germline. Affected: yes.
Comment: Not observed at significant frequency in large population cohorts (gnomAD); In silico analysis supports that this missense variant has a deleterious effect on protein structure/function; Has not been previously published as pathogenic or benign to our knowledge